The following is an entry in ClinVar:

ClinVar aggregate classification (germline): Uncertain significance (1 of 4 stars; one submission).

Allele frequency attached by ClinVar (database versions not stated): gnomAD exomes 0.00001.
gnomAD v4.1: 13 of 1,613,550 alleles (0.00081%); highest among the groups gnomAD compares: Non-Finnish European, 0.0011%; no homozygotes.

Submission:

Labcorp Genetics (formerly Invitae), Labcorp
Classification: Uncertain significance. Last evaluated: 2022-08-19. Review status: criteria provided, single submitter. Criteria: Invitae Variant Classification Sherloc (09022015). Collection method: clinical testing. Allele origin: germline.
Comment: This variant is not present in population databases (gnomAD no frequency). This sequence change replaces serine, which is neutral and polar, with alanine, which is neutral and non-polar, at codon 232 of the SEMA4A protein (p.Ser232Ala). This variant has not been reported in the literature in individuals affected with SEMA4A-related conditions. Algorithms developed to predict the effect of missense changes on protein structure and function output the following: SIFT: "Tolerated"; PolyPhen-2: "Benign"; Align-GVGD: "Class C0". The alanine amino acid residue is found in multiple mammalian species, which suggests that this missense change does not adversely affect protein function. In summary, the available evidence is currently insufficient to determine the role of this variant in disease. Therefore, it has been classified as a Variant of Uncertain Significance.

NM_022367.4(SEMA4A):c.694T>G (p.Ser232Ala)

Gene: SEMA4A (semaphorin 4A; plus strand). Cytogenetic location: 1q22.
Variant type: single nucleotide variant.
Coding change: c.694T>G on transcript NM_022367.4 (MANE Select); coding-DNA position 694, T replaced by G.
Protein change: p.Ser232Ala; replaces serine 232 with alanine.
Molecular consequence: missense variant.
Genome position (GRCh38, 1-based): chr1:156,160,913, T>G. VCF-style: chr1-156160913-T-G. GRCh37 (hg19) VCF-style: chr1-156130704-T-G.
Other names: c.694T>G, p.Ser232Ala (NM_001193300.2, NM_001193301.2, NM_001370567.1); c.298T>G, p.Ser100Ala (NM_001193302.2); c.397T>G, p.Ser133Ala (NM_001370568.1); c.187T>G, p.Ser63Ala (NM_001370569.1, NM_001370571.1); short protein forms S100A, S133A, S232A, S63A.
Identifiers: ClinVar variation 1716609 (VCV001716609.5), dbSNP rs2528164867, ClinGen allele CA342838206.